The following is an entry in ClinVar:

ClinVar aggregate classification (germline): Pathogenic. Review status: criteria provided, multiple submitters, no conflicts (2 of 4 stars). 2 submissions from 2 submitters: Pathogenic (2). Last evaluated 2025-12-17.

Conditions:
USH2A-related disorder. Also called: USH2A-related disorders; USH2A-related condition. Identifiers: MedGen CN239332.

Submissions (2):

Myriad Genetics, Inc.
Classification: Pathogenic for USH2A-related disorder. Last evaluated: 2025-12-17. Review status: criteria provided, single submitter. Criteria: Myriad Autosomal Dominant, Autosomal Recessive and X-Linked Classification Criteria (2023). Collection method: clinical testing. Allele origin: unknown.
Comment: NM_206933.2(USH2A):c.292dupA(T98Nfs*10) is a frameshift variant classified as pathogenic in the context of USH2A-related disorders. T98Nfs*10 has not been observed in cases with relevant disease. Relevant functional assessments of this variant are not available in the literature. T98Nfs*10 has not been observed in referenced population frequency databases. In summary, NM_206933.2(USH2A):c.292dupA(T98Nfs*10) is a frameshift variant in a gene where loss of function is a known mechanism of disease and is predicted to disrupt protein function. Please note: this variant was assessed in the context of healthy population screening.

Labcorp Genetics (formerly Invitae), Labcorp
Classification: Pathogenic. Last evaluated: 2020-04-08. Review status: criteria provided, single submitter. Criteria: Invitae Variant Classification Sherloc (09022015). Collection method: clinical testing. Allele origin: germline.
Comment: This variant is not present in population databases (ExAC no frequency). This sequence change creates a premature translational stop signal (p.Thr98Asnfs*10) in the USH2A gene. It is expected to result in an absent or disrupted protein product. This variant has not been reported in the literature in individuals with USH2A-related disease. For these reasons, this variant has been classified as Pathogenic. Loss-of-function variants in USH2A are known to be pathogenic (PMID: 10909849, 20507924, 24944099, 25649381).

Literature cited by the submitters: PubMed 10909849 (cited by Labcorp Genetics (formerly Invitae), Labcorp); PubMed 20507924 (cited by Labcorp Genetics (formerly Invitae), Labcorp); PubMed 24944099 (cited by Labcorp Genetics (formerly Invitae), Labcorp); PubMed 25649381 (cited by Labcorp Genetics (formerly Invitae), Labcorp).

NM_206933.4(USH2A):c.292dup (p.Thr98fs)

Gene: USH2A (usherin; minus strand). Cytogenetic location: 1q41.
Variant type: Duplication.
Coding change: c.292dup on transcript NM_206933.4 (MANE Select); coding-DNA position 292, one base duplicated (A; older notation c.292dupA).
Protein change: p.Thr98fs; shifts the reading frame from threonine 98.
Molecular consequence: frameshift variant.
Genome position (GRCh38, 1-based): chr1:216,422,045, T duplicated on the plus strand (A on the coding strand, the reverse complement: USH2A is on the minus strand). VCF-style (leftmost placement, unchanged base first): chr1-216422044-G-GT. GRCh37 (hg19) VCF-style: chr1-216595386-G-GT.
Other names: c.292dup, p.Thr98fs (NM_007123.6); short protein forms T98fs.
Identifiers: ClinVar variation 1076478 (VCV001076478.8), dbSNP rs2102788650, ClinGen allele CA2499214531.